The following is an entry in ClinVar:

ClinVar aggregate classification (germline): Uncertain significance (1 of 4 stars; one submission).

Conditions:
Schuurs-Hoeijmakers syndrome. Also called: PACS1-Related Neurodevelopmental Disorder. Identifiers: Orphanet 329224, MedGen C3554343, MONDO:0014006, OMIM 615009.

Allele frequency attached by ClinVar (database versions not stated): gnomAD exomes below 0.00001.
gnomAD v4.1: 2 of 1,570,626 alleles (0.00013%); highest among the groups gnomAD compares: Non-Finnish European, 0.00017%; no homozygotes.

Submission:

Labcorp Genetics (formerly Invitae), Labcorp
Classification: Uncertain significance for Schuurs-Hoeijmakers syndrome. Last evaluated: 2023-10-04. Review status: criteria provided, single submitter. Criteria: Invitae Variant Classification Sherloc (09022015). Collection method: clinical testing. Allele origin: germline.
Comment: This sequence change falls in intron 11 of the PACS1 gene. It does not directly change the encoded amino acid sequence of the PACS1 protein. It affects a nucleotide within the consensus splice site. This variant is not present in population databases (gnomAD no frequency). This variant has not been reported in the literature in individuals affected with PACS1-related conditions. Variants that disrupt the consensus splice site are a relatively common cause of aberrant splicing (PMID: 17576681, 9536098). Algorithms developed to predict the effect of sequence changes on RNA splicing suggest that this variant may disrupt the consensus splice site. In summary, the available evidence is currently insufficient to determine the role of this variant in disease. Therefore, it has been classified as a Variant of Uncertain Significance.

Literature cited by the submitters: PubMed 17576681; PubMed 9536098.

NM_018026.4(PACS1):c.1374+5G>A

Gene: PACS1 (phosphofurin acidic cluster sorting protein 1; plus strand). Cytogenetic location: 11q13.2.
Variant type: single nucleotide variant.
Coding change: c.1374+5G>A on transcript NM_018026.4 (MANE Select); 5 bases into the intron after coding-DNA position 1374, G replaced by A.
Molecular consequence: intron variant.
Genome position (GRCh38, 1-based): chr11:66,227,589, G>A. VCF-style: chr11-66227589-G-A. GRCh37 (hg19) VCF-style: chr11-65995060-G-A.
Identifiers: ClinVar variation 2809208 (VCV002809208.3), dbSNP rs2495573905, ClinGen allele CA2614446071.
Genomic context (GRCh38, chr11:66,227,589, plus strand): 5'-TTAAATCTACTTGGATTAAAAACCAAGATGACAGCTTGACTGAAACAGACACTCTGGTAT[G>A]TATGGGTCAGTTTCCTGTTTCAGCTGTTTCAAATAGTGTTTGTCCCTTTAGAAATAACGG-3'